The following is an entry in ClinVar:

NM_015335.5(MED13L):c.4081C>T (p.Gln1361Ter)

Gene: MED13L (mediator complex subunit 13L; minus strand). Cytogenetic location: 12q24.21.
Variant type: single nucleotide variant.
Coding change: c.4081C>T on transcript NM_015335.5 (MANE Select); coding-DNA position 4081, C replaced by T.
Protein change: p.Gln1361Ter; replaces glutamine 1361 with a stop codon.
Molecular consequence: nonsense.
Genome position (GRCh38, 1-based): chr12:115,987,142, G>A on the plus strand (C>T on the coding strand, the complement: MED13L is on the minus strand). VCF-style: chr12-115987142-G-A. GRCh37 (hg19) VCF-style: chr12-116424947-G-A.
Other names: short protein forms Q1361*.
Identifiers: ClinVar variation 3775246 (VCV003775246.1).

ClinVar aggregate classification (germline): Likely pathogenic (1 of 4 stars; one submission).

Conditions:
Cardiac anomalies - developmental delay - facial dysmorphism syndrome (MRFACD). Also called: Impaired intellectual development and distinctive facial features with or without cardiac defects; MED13L Syndrome. Identifiers: Orphanet 369891, MedGen C5192431, MONDO:0014773, OMIM 616789.

Submission:

3billion
Classification: Likely pathogenic for Cardiac anomalies - developmental delay - facial dysmorphism syndrome. Last evaluated: 2023-12-12. Review status: criteria provided, single submitter. Criteria: ACMG Guidelines, 2015. Collection method: clinical testing. Allele origin: germline. Affected: yes.
Comment: The variant is not observed in the gnomAD v2.1.1 dataset. Predicted Consequence/Location: Stop-gained (nonsense): predicted to result in a loss or disruption of normal protein function through nonsense-mediated decay (NMD) or protein truncation. Multiple pathogenic variants are reported downstream of the variant. Therefore, this variant is classified as Likely pathogenic according to the recommendation of ACMG/AMP guideline.